The following is an entry in ClinVar:

ClinVar aggregate classification (germline): Uncertain significance (1 of 4 stars; one submission).

Conditions:
EPILEPSY, CHILDHOOD ABSENCE, SUSCEPTIBILITY TO, 2 (ECA2). Identifiers: Orphanet 64280, MedGen C1843244, OMIM 607681.
Febrile seizures, familial, 8 (FEB8). Also called: CONVULSIONS, FAMILIAL FEBRILE, 8. Identifiers: Orphanet 36387, MedGen C1969810, MONDO:0011891, OMIM 607681.

Submission:

Labcorp Genetics (formerly Invitae), Labcorp
Classification: Uncertain significance for Febrile seizures, familial, 8; EPILEPSY, CHILDHOOD ABSENCE, SUSCEPTIBILITY TO, 2. Last evaluated: 2024-08-13. Review status: criteria provided, single submitter. Criteria: Invitae Variant Classification Sherloc (09022015). Collection method: clinical testing. Allele origin: germline.
Comment: This sequence change replaces glycine, which is neutral and non-polar, with aspartic acid, which is acidic and polar, at codon 36 of the GABRG2 protein (p.Gly36Asp). This variant also falls at the last nucleotide of exon 1, which is part of the consensus splice site for this exon. This variant is not present in population databases (gnomAD no frequency). This variant has not been reported in the literature in individuals affected with GABRG2-related conditions. ClinVar contains an entry for this variant (Variation ID: 1520403). An algorithm developed to predict the effect of missense changes on protein structure and function (PolyPhen-2) suggests that this variant is likely to be tolerated. Variants that disrupt the consensus splice site are a relatively common cause of aberrant splicing (PMID: 17576681, 9536098). Algorithms developed to predict the effect of sequence changes on RNA splicing suggest that this variant may disrupt the consensus splice site. In summary, the available evidence is currently insufficient to determine the role of this variant in disease. Therefore, it has been classified as a Variant of Uncertain Significance.

Literature cited by the submitters: PubMed 17576681; PubMed 9536098.

NM_198904.4(GABRG2):c.107G>A (p.Gly36Asp)

Gene: GABRG2 (gamma-aminobutyric acid type A receptor subunit gamma2; plus strand). Cytogenetic location: 5q34.
Variant type: single nucleotide variant.
Coding change: c.107G>A on transcript NM_198904.4 (MANE Select); coding-DNA position 107, G replaced by A.
Protein change: p.Gly36Asp; replaces glycine 36 with aspartic acid.
Molecular consequence: missense variant. On other transcripts: 5 prime UTR variant (3), intron variant (1).
Genome position (GRCh38, 1-based): chr5:162,068,106, G>A. VCF-style: chr5-162068106-G-A. GRCh37 (hg19) VCF-style: chr5-161495112-G-A.
Other names: c.107G>A, p.Gly36Asp (NM_000816.3, NM_001375339.1, NM_001375340.1 and 5 more transcripts); c.41G>A, p.Gly14Asp (NM_001375345.1, NM_001375346.1); c.-252G>A (NM_001375348.1, NM_001375350.1); c.-300G>A (NM_001375349.1); c.20+465G>A (NM_001375347.1); short protein forms G14D, G36D.
Identifiers: ClinVar variation 1520403 (VCV001520403.8), dbSNP rs1266267390, ClinGen allele CA362181922.